The following is an entry in ClinVar:

NM_004304.5(ALK):c.645del (p.Leu216fs)

Gene: ALK (ALK receptor tyrosine kinase; minus strand). Cytogenetic location: 2p23.1.
Variant type: Deletion.
Coding change: c.645del on transcript NM_004304.5 (MANE Select); coding-DNA position 645, one base deleted (T; older notation c.645delT).
Protein change: p.Leu216fs; shifts the reading frame from leucine 216.
Molecular consequence: frameshift variant.
Genome position (GRCh38, 1-based): chr2:29,920,015, A deleted on the plus strand (T on the coding strand, the reverse complement: ALK is on the minus strand); the first of 2 consecutive A bases (chr2:29,920,015-29,920,016); deleting either gives the same sequence. VCF-style (leftmost placement, unchanged base first): chr2-29920014-GA-G. GRCh37 (hg19) VCF-style: chr2-30142880-GA-G.
Other names: c.645delT (NM_004304.4); short protein forms L216fs.
Identifiers: ClinVar variation 2801837 (VCV002801837.4), dbSNP rs2465864684, ClinGen allele CA2658468604.

ClinVar aggregate classification (germline): Conflicting classifications of pathogenicity. Review status: criteria provided, conflicting classifications (1 of 4 stars). 2 submissions from 2 submitters: Uncertain significance (1); Likely benign (1). Last evaluated 2025-09-17.

Conditions:
Neuroblastoma, susceptibility to, 3. Also called: ALK-Related Neuroblastic Tumor Susceptibility. Identifiers: Orphanet 635, MedGen C2751681, MONDO:0013083, OMIM 613014.
Hereditary cancer-predisposing syndrome. Also called: Hereditary neoplastic syndrome; Neoplastic Syndromes, Hereditary; Tumor predisposition; Hereditary Cancer Syndrome. Identifiers: Orphanet 140162, MedGen C0027672, MeSH D009386, MONDO:0015356.

Submissions (2):

Ambry Genetics
Classification: Likely benign for Hereditary cancer-predisposing syndrome. Last evaluated: 2025-09-17. Review status: criteria provided, single submitter. Criteria: Ambry Variant Classification Scheme 2023. Collection method: clinical testing. Allele origin: germline.

Labcorp Genetics (formerly Invitae), Labcorp
Classification: Uncertain significance for Neuroblastoma, susceptibility to, 3. Last evaluated: 2023-01-20. Review status: criteria provided, single submitter. Criteria: Invitae Variant Classification Sherloc (09022015). Collection method: clinical testing. Allele origin: germline.
Comment: In summary, the available evidence is currently insufficient to determine the role of this variant in disease. Therefore, it has been classified as a Variant of Uncertain Significance. This variant has not been reported in the literature in individuals affected with ALK-related conditions. This variant is not present in population databases (gnomAD no frequency). This sequence change creates a premature translational stop signal (p.Leu216Serfs*33) in the ALK gene. It is expected to result in an absent or disrupted protein product. However, the current clinical and genetic evidence is not sufficient to establish whether loss-of-function variants in ALK cause disease.